The following is an entry in ClinVar:

NM_020433.5(JPH2):c.1971G>A (p.Glu657=)

Gene: JPH2 (junctophilin 2; minus strand). Cytogenetic location: 20q13.12.
Variant type: single nucleotide variant.
Coding change: c.1971G>A on transcript NM_020433.5 (MANE Select); coding-DNA position 1971, G replaced by A.
Protein change: p.Glu657=; no amino-acid change (glutamic acid 657 retained).
Molecular consequence: synonymous variant.
Genome position (GRCh38, 1-based): chr20:44,115,704, C>T on the plus strand (G>A on the coding strand, the complement: JPH2 is on the minus strand). VCF-style: chr20-44115704-C-T. GRCh37 (hg19) VCF-style: chr20-42744344-C-T.
Other names: p.E657E:GAG>GAA; p.Glu657=.
Identifiers: ClinVar variation 137610 (VCV000137610.31), dbSNP rs142333841, ClinGen allele CA333096.
Genomic context (GRCh38, chr20:44,115,704, plus strand): 5'-CACCTTGCCCGACAGCCTCACCTCTTCCACCTCCACCTCCGCCTCTGCCGCCAGTGCGGC[C>T]TCCTTCCGCGCCTTCTTCTTGGCCCCCGCCTTGGTCAGCCCTCGAGCCTCAGTCTTGCGG-3'
Protein context (NP_065166.2, residues 647-667): KAGAKKKARK[Glu657=]AALAAEAEVE

ClinVar aggregate classification (germline): Benign/Likely benign. Review status: criteria provided, multiple submitters, no conflicts (2 of 4 stars). 12 submissions from 12 submitters: Benign (4); Likely benign (5). 3 of the submissions do not count toward it. Last evaluated 2026-07-01.

Conditions:
Cardiovascular phenotype. Identifiers: MedGen CN230736.
Hypertrophic cardiomyopathy 17. Identifiers: MedGen C3151264, MONDO:0013474, OMIM 613873.
Hypertrophic cardiomyopathy. Also called: HYPERTROPHIC MYOCARDIOPATHY. Identifiers: Orphanet 217569, MedGen C0007194, MeSH D002312, MONDO:0005045, HP:0001639.

Allele frequency attached by ClinVar (database versions not stated): gnomAD 0.00099 and 0.00106; 1000 Genomes Project 0.00060; ExAC 0.00121; gnomAD exomes 0.00179 and 0.00126; TOPMed 0.00094; 1000 Genomes Project 30x 0.00047; ESP Exome Variant Server 0.00138.
gnomAD v4.1: 2,773 of 1,613,416 alleles (0.17%); highest among the groups gnomAD compares: South Asian, 0.41%; 8 homozygotes.

Submissions (12):

CeGaT Center for Human Genetics Tuebingen
Classification: Likely benign. Last evaluated: 2026-07-01. Review status: criteria provided, single submitter. Criteria: CeGaT Center For Human Genetics Tuebingen Variant Classification Criteria Version 2. Collection method: clinical testing. Allele origin: germline. Affected: yes. Observed: 1 variant allele.
Comment: JPH2: BP4, BP7

Labcorp Genetics (formerly Invitae), Labcorp
Classification: Likely benign for Hypertrophic cardiomyopathy. Last evaluated: 2026-02-02. Review status: criteria provided, single submitter. Criteria: Invitae Variant Classification Sherloc (09022015). Collection method: clinical testing. Allele origin: germline.

ARUP Laboratories, Molecular Genetics and Genomics, ARUP Laboratories
Classification: Benign. Last evaluated: 2025-03-03. Review status: criteria provided, single submitter. Criteria: ARUP Molecular Germline Variant Investigation Process 2024. Collection method: clinical testing. Allele origin: germline.

Mayo Clinic Laboratories, Mayo Clinic
Classification: Benign. Last evaluated: 2023-06-16. Review status: criteria provided, single submitter. Criteria: ACMG Guidelines, 2015. Collection method: clinical testing. Allele origin: germline. Observed: 3 variant alleles.
Comment: BS1, BS2, BP4, BP5, BP7

Genome Diagnostics Laboratory, University Medical Center Utrecht
Classification: Benign for Hypertrophic cardiomyopathy 17. Last evaluated: 2017-07-28. Review status: criteria provided, single submitter. Criteria: ACGS Guidelines, 2013. Collection method: clinical testing. Allele origin: germline. Affected: yes. Study: VKGL Data-share Consensus.

Ambry Genetics
Classification: Likely benign for Cardiovascular phenotype. Last evaluated: 2016-10-07. Review status: criteria provided, single submitter. Criteria: Ambry Variant Classification Scheme 2023. Collection method: clinical testing. Allele origin: germline.

Clinical Genetics DNA and cytogenetics Diagnostics Lab, Erasmus MC, Erasmus Medical Center
Classification: Likely benign for Hypertrophic cardiomyopathy 17. Last evaluated: 2015-09-21. Review status: criteria provided, single submitter. Criteria: ACGS Guidelines, 2013. Collection method: clinical testing. Allele origin: germline. Affected: yes. Study: VKGL Data-share Consensus.

Laboratory for Molecular Medicine, Mass General Brigham Personalized Medicine
Classification: Likely benign. Last evaluated: 2015-08-21. Review status: criteria provided, single submitter. Criteria: LMM Criteria. Collection method: clinical testing. Allele origin: germline. Observed: 1 variant allele.
Comment: p.Glu657Glu in exon 4 of JPH2: This variant is not expected to have clinical sig nificance because it does not alter an amino acid residue and is not located wit hin the splice consensus sequence. It has been identified in 0.4% (58/ 16416) of South Asian chromosomes and 0.1% (72/65440) of European chromosomes by the Exom e Aggregation Consortium (dbSNP rs142333841).

GeneDx
Classification: Benign. Last evaluated: 2014-04-20. Review status: criteria provided, single submitter. Criteria: GeneDx Variant Classification (06012015). Collection method: clinical testing. Allele origin: germline. Affected: yes.
Comment: This variant is considered likely benign or benign based on one or more of the following criteria: it is a conservative change, it occurs at a poorly conserved position in the protein, it is predicted to be benign by multiple in silico algorithms, and/or has population frequency not consistent with disease.

Clinical Genetics, Academic Medical Center
Classification: Benign. Review status: no assertion criteria provided. Collection method: clinical testing. Allele origin: germline. Affected: yes. Study: VKGL Data-share Consensus. Not counted in ClinVar's aggregate classification.

Diagnostic Laboratory, Department of Genetics, University Medical Center Groningen
Classification: Likely benign for Hypertrophic cardiomyopathy 17. Review status: no assertion criteria provided. Collection method: clinical testing. Allele origin: germline. Affected: yes. Study: VKGL Data-share Consensus. Not counted in ClinVar's aggregate classification.

Joint Genome Diagnostic Labs from Nijmegen and Maastricht, Radboudumc and MUMC+
Classification: Benign. Review status: no assertion criteria provided. Collection method: clinical testing. Allele origin: germline. Affected: yes. Study: VKGL Data-share Consensus. Not counted in ClinVar's aggregate classification.